The following is an entry in ClinVar:

ClinVar aggregate classification (germline): Uncertain significance (1 of 4 stars; one submission).

Conditions:
Hypertrophic cardiomyopathy 26. Also called: Cardiomyopathy, familial hypertrophic, 26. Identifiers: Orphanet 75249, MedGen C4310749, MONDO:0014883, OMIM 617047.
Myofibrillar myopathy 5. Also called: Filaminopathy (type); FILAMINOPATHY, AUTOSOMAL DOMINANT. Identifiers: Orphanet 171445, MedGen C1836050, MONDO:0012289, OMIM 609524.
Distal myopathy with posterior leg and anterior hand involvement. Also called: WILLIAMS DISTAL MYOPATHY. Identifiers: Orphanet 63273, MedGen C3279722, MONDO:0013550, OMIM 614065.

Submission:

Labcorp Genetics (formerly Invitae), Labcorp
Classification: Uncertain significance for Distal myopathy with posterior leg and anterior hand involvement; Myofibrillar myopathy 5; Hypertrophic cardiomyopathy 26. Last evaluated: 2024-02-20. Review status: criteria provided, single submitter. Criteria: Invitae Variant Classification Sherloc (09022015). Collection method: clinical testing. Allele origin: germline.
Comment: This sequence change replaces alanine, which is neutral and non-polar, with glutamic acid, which is acidic and polar, at codon 1247 of the FLNC protein (p.Ala1247Glu). This variant is not present in population databases (gnomAD no frequency). This variant has not been reported in the literature in individuals affected with FLNC-related conditions. Advanced modeling of protein sequence and biophysical properties (such as structural, functional, and spatial information, amino acid conservation, physicochemical variation, residue mobility, and thermodynamic stability) has been performed at Invitae for this missense variant, however the output from this modeling did not meet the statistical confidence thresholds required to predict the impact of this variant on FLNC protein function. In summary, the available evidence is currently insufficient to determine the role of this variant in disease. Therefore, it has been classified as a Variant of Uncertain Significance.

NM_001458.5(FLNC):c.3740C>A (p.Ala1247Glu)

Gene: FLNC (filamin C; plus strand). Cytogenetic location: 7q32.1.
Variant type: single nucleotide variant.
Coding change: c.3740C>A on transcript NM_001458.5 (MANE Select); coding-DNA position 3740, C replaced by A.
Protein change: p.Ala1247Glu; replaces alanine 1247 with glutamic acid.
Molecular consequence: missense variant.
Genome position (GRCh38, 1-based): chr7:128,845,205, C>A. VCF-style: chr7-128845205-C-A. GRCh37 (hg19) VCF-style: chr7-128485259-C-A.
Other names: c.3740C>A, p.Ala1247Glu (NM_001127487.2); short protein forms A1247E.
Identifiers: ClinVar variation 3749302 (VCV003749302.2).